The following is an entry in ClinVar:

NM_001384732.1(CPLANE1):c.7243dup (p.Thr2415fs)

Gene: CPLANE1 (ciliogenesis and planar polarity effector complex subunit 1; minus strand). Cytogenetic location: 5p13.2.
Variant type: Duplication.
Coding change: c.7243dup on transcript NM_001384732.1 (MANE Select); coding-DNA position 7243, one base duplicated (A; older notation c.7243dupA).
Protein change: p.Thr2415fs; shifts the reading frame from threonine 2415.
Molecular consequence: frameshift variant.
Genome position (GRCh38, 1-based): chr5:37,167,204, T duplicated on the plus strand (A on the coding strand, the reverse complement: CPLANE1 is on the minus strand); the first of 7 consecutive T bases (chr5:37,167,204-37,167,210); duplicating any one gives the same sequence. VCF-style (leftmost placement, unchanged base first): chr5-37167203-G-GT. GRCh37 (hg19) VCF-style: chr5-37167305-G-GT.
Other names: c.7243dupA (NM_023073.3); c.7243dup, p.Thr2415fs (NM_023073.4); short protein forms T2415fs.
Identifiers: ClinVar variation 2429463 (VCV002429463.7), dbSNP rs758322225, ClinGen allele CA443921139.

ClinVar aggregate classification (germline): Pathogenic/Likely pathogenic. Review status: criteria provided, multiple submitters, no conflicts (2 of 4 stars). 4 submissions from 4 submitters: Pathogenic (1); Likely pathogenic (1). 2 of the submissions do not count toward it. Last evaluated 2021-06-02.

Conditions:
CPLANE1-related disorder. Also called: CPLANE1-related condition.
Orofaciodigital syndrome type 6 (OFD6). Also called: OROFACIODIGITAL SYNDROME VI; OFDS VI; POLYDACTYLY, CLEFT LIP/PALATE OR LINGUAL LUMP, AND PSYCHOMOTOR RETARDATION; VARADI SYNDROME; VARADI-PAPP SYNDROME; Oral-facial-digital syndrome type 6. Identifiers: Orphanet 2754, MedGen C2745997, MONDO:0010176, OMIM 277170.
Joubert syndrome 17 (JBTS17). Identifiers: Orphanet 475, MedGen C3553264, MONDO:0013824, OMIM 614615.
C5ORF42-related disorders.

Submissions (4):

Blueprint Genetics
Classification: Likely pathogenic for C5ORF42-related disorders. Last evaluated: 2021-06-02. Review status: criteria provided, single submitter. Criteria: ACMG Guidelines, 2015. Collection method: clinical testing. Allele origin: germline. Affected: yes. Observed: 2 variant alleles.

Juno Genomics, Hangzhou Juno Genomics, Inc
Classification: Pathogenic for Joubert syndrome 17; Orofaciodigital syndrome type 6. Review status: criteria provided, single submitter. Criteria: ACMG Guidelines, 2015. Collection method: clinical testing. Allele origin: germline.
Comment: Absent from controls (or at extremely low frequency if recessive) in Genome Aggregation Database.;Null variant in a gene where loss of function (LOF) is a known mechanism of disease.;For recessive disorders, detected in trans with a pathogenic variant.

PreventionGenetics, part of Exact Sciences
Classification: Pathogenic for CPLANE1-related condition. Last evaluated: 2023-12-08. Review status: no assertion criteria provided. Collection method: clinical testing. Allele origin: germline. Not counted in ClinVar's aggregate classification.
Comment: The CPLANE1 c.7243dupA variant is predicted to result in a frameshift and premature protein termination (p.Thr2415Asnfs*7). This variant has been reported in the compound heterozygous in an individual with Joubert syndrome (Bai et al 2020. PubMed ID: 32335874). This variant is reported in 0.0047% of alleles in individuals of European (Finnish) descent in gnomAD. Frameshift variants in CPLANE1 are expected to be pathogenic. This variant is interpreted as pathogenic.

Neurology Department of Pediatrics, The Third Affiliated Hospital of Zhengzhou University
Classification: Uncertain significance for Joubert syndrome 17. Review status: no assertion criteria provided. Collection method: clinical testing. Allele origin: inherited. Inheritance: Autosomal dominant inheritance. Affected: yes. Not counted in ClinVar's aggregate classification.